The following is an entry in ClinVar:

NM_001972.4(ELANE):c.242G>C (p.Arg81Pro)

Gene: ELANE (elastase, neutrophil expressed; plus strand). Cytogenetic location: 19p13.3.
Variant type: single nucleotide variant.
Coding change: c.242G>C on transcript NM_001972.4 (MANE Select); coding-DNA position 242, G replaced by C.
Protein change: p.Arg81Pro; replaces arginine 81 with proline.
Molecular consequence: missense variant.
Genome position (GRCh38, 1-based): chr19:853,279, G>C. VCF-style: chr19-853279-G-C. GRCh37 (hg19) VCF-style: chr19-853279-G-C.
Other names: short protein forms R81P.
Identifiers: ClinVar variation 1343817 (VCV001343817.6), dbSNP rs762470485, ClinGen allele CA402915163.
Genomic context (GRCh38, chr19:853,279, plus strand): 5'-CCCCCGGGGCCGCCCCTGAGCCCCGCCTCTCCCTCCCCGGCAGAAACGTCCGCGCGGTGC[G>C]GGTGGTCCTGGGAGCCCATAACCTCTCGCGGCGGGAGCCCACCCGGCAGGTGTTCGCCGT-3'
Protein context (NP_001963.1, residues 71-91): CVANVNVRAV[Arg81Pro]VVLGAHNLSR

ClinVar aggregate classification (germline): Pathogenic/Likely pathogenic. Review status: criteria provided, multiple submitters, no conflicts (2 of 4 stars). 2 submissions from 2 submitters: Pathogenic (1); Likely pathogenic (1). Last evaluated 2022-11-26.

Conditions:
Cyclical neutropenia. Also called: Cyclic Neutropenia; Cyclic hematopoiesis. Identifiers: Orphanet 2686, MedGen C0221023, MONDO:0008090, OMIM 162800, HP:0040289. Disease mechanism: loss of function.
Neutropenia, severe congenital, 1, autosomal dominant. Identifiers: MedGen C1859966, MONDO:0042490, OMIM 202700.

Submissions (2):

Labcorp Genetics (formerly Invitae), Labcorp
Classification: Pathogenic for Neutropenia, severe congenital, 1, autosomal dominant; Cyclical neutropenia. Last evaluated: 2022-11-26. Review status: criteria provided, single submitter. Criteria: Invitae Variant Classification Sherloc (09022015). Collection method: clinical testing. Allele origin: germline.
Comment: Advanced modeling of protein sequence and biophysical properties (such as structural, functional, and spatial information, amino acid conservation, physicochemical variation, residue mobility, and thermodynamic stability) performed at Invitae indicates that this missense variant is not expected to disrupt ELANE protein function. This variant is not present in population databases (gnomAD no frequency). This missense change has been observed in individual(s) with ELANE-related conditions (PMID: 14962902, 25705433, 31965297). In at least one individual the variant was observed to be de novo. This variant is also known as c.2190G>C; R52P. ClinVar contains an entry for this variant (Variation ID: 1343817). This sequence change replaces arginine, which is basic and polar, with proline, which is neutral and non-polar, at codon 81 of the ELANE protein (p.Arg81Pro). For these reasons, this variant has been classified as Pathogenic.

Kasturba Medical College, Manipal, Kasturba Medical College, Manipal, Manipal Academy of Higher Education, Manipal, India
Classification: Likely pathogenic for Cyclical neutropenia. Last evaluated: 2022-03-10. Review status: criteria provided, single submitter. Criteria: ACMG Guidelines, 2015. Collection method: clinical testing. Allele origin: germline. Affected: yes.

Literature cited by the submitters: PubMed 14962902 (cited by Labcorp Genetics (formerly Invitae), Labcorp); PubMed 25705433 (cited by Labcorp Genetics (formerly Invitae), Labcorp); PubMed 31965297 (cited by Labcorp Genetics (formerly Invitae), Labcorp); PubMed 16986121 (cited by Kasturba Medical College, Manipal, Kasturba Medical College, Manipal, Manipal Academy of Higher Education, Manipal, India).